The following is an entry in ClinVar:

ClinVar aggregate classification (germline): Uncertain significance. Review status: criteria provided, multiple submitters, no conflicts (2 of 4 stars). 5 submissions from 5 submitters: Uncertain significance (5). Last evaluated 2025-10-28.

Conditions:
Hereditary cancer-predisposing syndrome. Also called: Tumor predisposition; Neoplastic Syndromes, Hereditary; Hereditary Cancer Syndrome; Hereditary neoplastic syndrome. Identifiers: Orphanet 140162, MedGen C0027672, MeSH D009386, MONDO:0015356.
Familial cancer of breast. Also called: Hereditary breast cancer; BREAST CANCER, FAMILIAL; hereditary breast carcinoma. Identifiers: Orphanet 227535, MedGen C0346153, MONDO:0016419, OMIM 114480. Disease mechanism: loss of function.

Submissions (5):

Labcorp Genetics (formerly Invitae), Labcorp
Classification: Uncertain significance for Familial cancer of breast. Last evaluated: 2025-10-28. Review status: criteria provided, single submitter. Criteria: Invitae Variant Classification Sherloc (09022015). Collection method: clinical testing. Allele origin: germline.
Comment: This sequence change replaces leucine, which is neutral and non-polar, with proline, which is neutral and non-polar, at codon 931 of the PALB2 protein (p.Leu931Pro). This variant is not present in population databases (gnomAD no frequency). This variant has not been reported in the literature in individuals affected with PALB2-related conditions. ClinVar contains an entry for this variant (Variation ID: 241550). Invitae Evidence Modeling of protein sequence and biophysical properties (such as structural, functional, and spatial information, amino acid conservation, physicochemical variation, residue mobility, and thermodynamic stability) indicates that this missense variant is expected to disrupt PALB2 protein function with a positive predictive value of 80%. Experimental studies have shown that this missense change does not substantially affect PALB2 function (PMID: 31636395). In summary, the available evidence is currently insufficient to determine the role of this variant in disease. Therefore, it has been classified as a Variant of Uncertain Significance.

Ambry Genetics
Classification: Uncertain significance for Hereditary cancer-predisposing syndrome. Last evaluated: 2025-05-07. Review status: criteria provided, single submitter. Criteria: Ambry Variant Classification Scheme 2023. Collection method: clinical testing. Allele origin: germline.
Comment: The p.L931P variant (also known as c.2792T>C), located in coding exon 8 of the PALB2 gene, results from a T to C substitution at nucleotide position 2792. The leucine at codon 931 is replaced by proline, an amino acid with similar properties. This alteration was found to be functionally normal in a homology-directed DNA repair (HDR) assay (Wiltshire T et al. Genet Med, 2020 03;22:622-632). This amino acid position is not well conserved in available vertebrate species. In addition, this alteration is predicted to be deleterious by in silico analysis. Since supporting evidence is limited at this time, the clinical significance of this alteration remains unclear.

GeneDx
Classification: Uncertain significance. Last evaluated: 2023-08-31. Review status: criteria provided, single submitter. Criteria: GeneDx Variant Classification Process June 2021. Collection method: clinical testing. Allele origin: germline. Affected: yes.
Comment: Not observed at significant frequency in large population cohorts (gnomAD); In silico analysis supports that this missense variant has a deleterious effect on protein structure/function; Published functional studies demonstrate normal homology-directed DNA repair (HDR) (Wiltshire et al., 2020); This variant is associated with the following publications: (PMID: 31636395)

Women's Health and Genetics/Laboratory Corporation of America, LabCorp
Classification: Uncertain significance. Last evaluated: 2020-04-23. Review status: criteria provided, single submitter. Criteria: LabCorp Variant Classification Summary - May 2015. Collection method: clinical testing. Allele origin: germline.
Comment: Variant summary: PALB2 c.2792T>C (p.Leu931Pro) results in a non-conservative amino acid change located in the Partner and localiser of BRCA2, WD40 domain (IPR031920) of the encoded protein sequence. Four of five in-silico tools predict a damaging effect of the variant on protein function. The variant was absent in 250918 control chromosomes (gnomAD). The available data on variant occurrences in the general population are insufficient to allow any conclusion about variant significance. To our knowledge, no occurrence of c.2792T>C in individuals affected with Breast Cancer has been reported. At least one publication reports this variant showed no damaging effect of this variant (Wiltshire_2019). Three ClinVar submitters (evaluation after 2014) cite the variant as uncertain significance. Based on the evidence outlined above, the variant was classified as uncertain significance.

Color Diagnostics, LLC DBA Color Health
Classification: Uncertain significance for Hereditary cancer-predisposing syndrome. Last evaluated: 2018-08-07. Review status: criteria provided, single submitter. Criteria: ACMG Guidelines, 2015. Collection method: clinical testing. Allele origin: germline.

Literature cited by the submitters: PubMed 31636395 (cited by 3 submitters).

NM_024675.4(PALB2):c.2792T>C (p.Leu931Pro)

Gene: PALB2 (partner and localizer of BRCA2; minus strand). Cytogenetic location: 16p12.2.
Variant type: single nucleotide variant.
Coding change: c.2792T>C on transcript NM_024675.4 (MANE Select); coding-DNA position 2792, T replaced by C.
Protein change: p.Leu931Pro; replaces leucine 931 with proline.
Molecular consequence: missense variant.
Genome position (GRCh38, 1-based): chr16:23,624,051, A>G on the plus strand (T>C on the coding strand, the complement: PALB2 is on the minus strand). VCF-style: chr16-23624051-A-G. GRCh37 (hg19) VCF-style: chr16-23635372-A-G.
Other names: short protein forms L931P.
Identifiers: ClinVar variation 241550 (VCV000241550.18), dbSNP rs773831304, ClinGen allele CA10583357.